The following is an entry in ClinVar:

ClinVar aggregate classification (germline): Uncertain significance (1 of 4 stars; one submission).

Allele frequency attached by ClinVar (database versions not stated): gnomAD 0.00001; TOPMed 0.00001.
gnomAD v4.1: 29 of 1,613,774 alleles (0.0018%); highest among the groups gnomAD compares: East Asian, 0.0045%; no homozygotes.

Submission:

Labcorp Genetics (formerly Invitae), Labcorp
Classification: Uncertain significance. Last evaluated: 2023-09-05. Review status: criteria provided, single submitter. Criteria: Invitae Variant Classification Sherloc (09022015). Collection method: clinical testing. Allele origin: germline.
Comment: In summary, the available evidence is currently insufficient to determine the role of this variant in disease. Therefore, it has been classified as a Variant of Uncertain Significance. Algorithms developed to predict the effect of missense changes on protein structure and function output the following: SIFT: "Not Available"; PolyPhen-2: "Benign"; Align-GVGD: "Not Available". The lysine amino acid residue is found in multiple mammalian species, which suggests that this missense change does not adversely affect protein function. This variant has not been reported in the literature in individuals affected with ITGAM-related conditions. This variant is present in population databases (rs199769892, gnomAD 0.006%). This sequence change replaces glutamic acid, which is acidic and polar, with lysine, which is basic and polar, at codon 854 of the ITGAM protein (p.Glu854Lys).

NM_000632.4(ITGAM):c.2560G>A (p.Glu854Lys)

Gene: ITGAM (integrin subunit alpha M; plus strand). Cytogenetic location: 16p11.2.
Variant type: single nucleotide variant.
Coding change: c.2560G>A on transcript NM_000632.4 (MANE Select); coding-DNA position 2560, G replaced by A.
Protein change: p.Glu854Lys; replaces glutamic acid 854 with lysine.
Molecular consequence: missense variant.
Genome position (GRCh38, 1-based): chr16:31,325,554, G>A. VCF-style: chr16-31325554-G-A. GRCh37 (hg19) VCF-style: chr16-31336875-G-A.
Other names: c.2563G>A, p.Glu855Lys (NM_001145808.2); short protein forms E855K, E854K.
Identifiers: ClinVar variation 2976710 (VCV002976710.3), dbSNP rs199769892, ClinGen allele CA8025868.